The following is an entry in ClinVar:

ClinVar aggregate classification (germline): Conflicting classifications of pathogenicity. Review status: criteria provided, conflicting classifications (1 of 4 stars). 7 submissions from 7 submitters: Uncertain significance (5); Likely benign (1). 1 of the submissions does not count toward it. Last evaluated 2026-06-08.

Conditions:
Autosomal recessive limb-girdle muscular dystrophy type 2F (LGMDR6). Also called: Muscular dystrophy limb-girdle with delta-sarcoglyan deficiency; MUSCULAR DYSTROPHY, LIMB-GIRDLE, AUTOSOMAL RECESSIVE 6. Identifiers: Orphanet 219, MedGen C1832525, MONDO:0011028, OMIM 601287. Disease mechanism: Affects gamma-sarcoglycan and also disrupts the integrity of the entire sarcoglycan complex..
Dilated cardiomyopathy 1L (CMD1L). Identifiers: Orphanet 154, MedGen C1847667, MONDO:0011702, OMIM 606685.

Allele frequency attached by ClinVar (database versions not stated): gnomAD 0.00010; ESP Exome Variant Server 0.00009; TOPMed 0.00011.
gnomAD v4.1: 65 of 1,605,314 alleles (0.004%); highest among the groups gnomAD compares: African/African-American, 0.025%; no homozygotes.

Submissions (7):

Women's Health and Genetics/Laboratory Corporation of America, LabCorp
Classification: Uncertain significance. Last evaluated: 2026-06-08. Review status: criteria provided, single submitter. Criteria: LabCorp Variant Classification Summary - May 2015. Collection method: clinical testing. Allele origin: germline.
Comment: Variant summary: SGCD c.394G>A (p.Val132Ile) results in a conservative amino acid change in the encoded protein sequence. Algorithms developed to predict the effect of missense changes on protein structure and function are either unavailable or do not agree on the potential impact of this missense change. The variant allele was found at a frequency of 5.8e-05 in 241698 control chromosomes. This frequency is not significantly higher than estimated for disease-causing variants in SGCD, allowing no conclusion about variant significance. c.394G>A has been observed in individual(s) affected with SGCD-related conditions without strong evidence for causality (e.g. Pugh_2014, Walsh_2016). These report(s) do not provide unequivocal conclusions about association of the variant with disease. To our knowledge, no experimental evidence demonstrating an impact on protein function has been reported. The following publications have been ascertained in the context of this evaluation (PMID: 24503780, 27532257). ClinVar contains an entry for this variant (Variation ID: 177914). Based on the evidence outlined above, the variant was classified as uncertain significance.

GeneDx
Classification: Uncertain significance. Last evaluated: 2024-05-15. Review status: criteria provided, single submitter. Criteria: GeneDx Variant Classification Process June 2021. Collection method: clinical testing. Allele origin: germline. Affected: yes.
Comment: In silico analysis indicates that this missense variant does not alter protein structure/function; This variant is associated with the following publications: (PMID: 24503780, 27532257)

Revvity Omics, Revvity
Classification: Uncertain significance. Last evaluated: 2024-01-09. Review status: criteria provided, single submitter. Criteria: ACMG Guidelines, 2015. Collection method: clinical testing. Allele origin: germline.

Labcorp Genetics (formerly Invitae), Labcorp
Classification: Uncertain significance for Autosomal recessive limb-girdle muscular dystrophy type 2F. Last evaluated: 2022-08-10. Review status: criteria provided, single submitter. Criteria: Invitae Variant Classification Sherloc (09022015). Collection method: clinical testing. Allele origin: germline.
Comment: This sequence change replaces valine, which is neutral and non-polar, with isoleucine, which is neutral and non-polar, at codon 132 of the SGCD protein (p.Val132Ile). This variant is present in population databases (rs367819390, gnomAD 0.04%). This missense change has been observed in individual(s) with dilated cardiomyopathy (PMID: 27532257). ClinVar contains an entry for this variant (Variation ID: 177914). Algorithms developed to predict the effect of missense changes on protein structure and function output the following: SIFT: "Tolerated"; PolyPhen-2: "Benign"; Align-GVGD: "Class C0". The isoleucine amino acid residue is found in multiple mammalian species, which suggests that this missense change does not adversely affect protein function. In summary, the available evidence is currently insufficient to determine the role of this variant in disease. Therefore, it has been classified as a Variant of Uncertain Significance.

Eurofins Ntd Llc (ga)
Classification: Uncertain significance. Last evaluated: 2014-11-23. Review status: criteria provided, single submitter. Criteria: EGL Classification Definitions 2015. Collection method: clinical testing. Allele origin: germline. Observed: 1 variant allele, 1 heterozygote.

Laboratory for Molecular Medicine, Mass General Brigham Personalized Medicine
Classification: Likely benign. Last evaluated: 2014-03-24. Review status: criteria provided, single submitter. Criteria: LMM Criteria. Collection method: clinical testing. Allele origin: germline. Observed: 2 variant alleles.
Comment: Val132Ile in exon 6 of SGCD: This variant is not expected to have clinical signi ficance due to a lack of conservation across species, including mammals. Of note , multiple mammals have an isoleucine (Ile) at this position despite high nearby amino acid conservation. In addition, computational prediction tools do not sug gest a high likelihood of impact to the protein. This variant has also been iden tified in 1/3616 African American chromosomes by the NHLBI Exome Sequencing Proj ect.

Counsyl
Classification: Uncertain significance for Dilated cardiomyopathy 1L; Autosomal recessive limb-girdle muscular dystrophy type 2F. Last evaluated: 2017-12-14. Review status: no assertion criteria provided. Collection method: clinical testing. Allele origin: unknown. Not counted in ClinVar's aggregate classification.

Literature cited by the submitters: PubMed 24503780 (cited by Women's Health and Genetics/Laboratory Corporation of America, LabCorp and Counsyl); PubMed 27532257 (cited by Women's Health and Genetics/Laboratory Corporation of America, LabCorp and Labcorp Genetics (formerly Invitae), Labcorp).

NM_000337.6(SGCD):c.394G>A (p.Val132Ile)

Gene: SGCD (sarcoglycan delta; plus strand). Cytogenetic location: 5q33.3.
Variant type: single nucleotide variant.
Coding change: c.394G>A on transcript NM_000337.6 (MANE Select); coding-DNA position 394, G replaced by A.
Protein change: p.Val132Ile; replaces valine 132 with isoleucine.
Molecular consequence: missense variant.
Genome position (GRCh38, 1-based): chr5:156,594,943, G>A. VCF-style: chr5-156594943-G-A. GRCh37 (hg19) VCF-style: chr5-156021953-G-A.
Other names: p.V132I:GTA>ATA; c.391G>A, p.Val131Ile (NM_001128209.2); c.394G>A, p.Val132Ile (NM_172244.3); short protein forms V132I, V131I.
Identifiers: ClinVar variation 177914 (VCV000177914.20), dbSNP rs367819390, ClinGen allele CA180989.
Genomic context (GRCh38, chr5:156,594,943, plus strand): 5'-CTCTCTCTCCTCTCTCCTCTCTATCTCTCTATCTCTCTATATCTCTCAGGTCCAAAAGCC[G>A]TAGAAGCTTATGGTAAAAAATTTGAGGTAAAAACTGTTTCTGGAAAATTGCTCTTCTCTG-3'
Protein context (NP_000328.2, residues 122-142): LTQLITGPKA[Val132Ile]EAYGKKFEVK